The following is an entry in ClinVar:

ClinVar aggregate classification (germline): Uncertain significance (1 of 4 stars; one submission).

Conditions:
Charcot-Marie-Tooth disease type 2. Also called: Charcot-Marie-Tooth type 2. Identifiers: Orphanet 64746, MedGen C0270914, MONDO:0018993.

gnomAD v4.1: 2 of 1,613,946 alleles (0.00012%); highest among the groups gnomAD compares: Admixed American, 0.0033%; no homozygotes.

Submission:

Labcorp Genetics (formerly Invitae), Labcorp
Classification: Uncertain significance for Charcot-Marie-Tooth disease type 2. Last evaluated: 2021-08-03. Review status: criteria provided, single submitter. Criteria: Invitae Variant Classification Sherloc (09022015). Collection method: clinical testing. Allele origin: germline.
Comment: In summary, the available evidence is currently insufficient to determine the role of this variant in disease. Therefore, it has been classified as a Variant of Uncertain Significance. Algorithms developed to predict the effect of missense changes on protein structure and function are either unavailable or do not agree on the potential impact of this missense change (SIFT: "Deleterious"; PolyPhen-2: "Probably Damaging"; Align-GVGD: "Class C0"). This variant has not been reported in the literature in individuals affected with AARS-related conditions. This variant is not present in population databases (ExAC no frequency). This sequence change replaces threonine with proline at codon 726 of the AARS protein (p.Thr726Pro). The threonine residue is highly conserved and there is a small physicochemical difference between threonine and proline.

NM_001605.3(AARS1):c.2176A>C (p.Thr726Pro)

Gene: AARS1 (alanyl-tRNA synthetase 1; minus strand). Cytogenetic location: 16q22.1.
Variant type: single nucleotide variant.
Coding change: c.2176A>C on transcript NM_001605.3 (MANE Select); coding-DNA position 2176, A replaced by C.
Protein change: p.Thr726Pro; replaces threonine 726 with proline.
Molecular consequence: missense variant.
Genome position (GRCh38, 1-based): chr16:70,258,034, T>G on the plus strand (A>C on the coding strand, the complement: AARS1 is on the minus strand). VCF-style: chr16-70258034-T-G. GRCh37 (hg19) VCF-style: chr16-70291937-T-G.
Other names: short protein forms T726P.
Identifiers: ClinVar variation 1682160 (VCV001682160.6), dbSNP rs1312337697, ClinGen allele CA396557506.
Genomic context (GRCh38, chr16:70,258,034, plus strand): 5'-TACATCCTCAGAGGATGAAGGTAGATGACCTGTCTACTCTGCCCCTCTGCAGTACTCACG[T>G]TCCCCCACAGAACTCAACAGAAGTCAGGGAGCCAGCAGGCCCAGAGGGGTCATCCAGCAA-3'
Protein context (NP_001596.2, residues 716-736): SLTSVEFCGG[Thr726Pro]HLRNSSHAGA